The following is an entry in ClinVar:

ClinVar aggregate classification (germline): Benign/Likely benign. Review status: criteria provided, multiple submitters, no conflicts (2 of 4 stars). 3 submissions from 3 submitters: Benign (2); Likely benign (1). Last evaluated 2026-01-25.

Allele frequency attached by ClinVar (database versions not stated): 1000 Genomes Project 30x 0.00234; 1000 Genomes Project 0.00260; TOPMed 0.00473; gnomAD 0.00554 and 0.00571; gnomAD exomes 0.00581 and 0.00782; ExAC 0.00590; ESP Exome Variant Server 0.00655.
gnomAD v4.1: 12,086 of 1,609,716 alleles (0.75%); highest among the groups gnomAD compares: Non-Finnish European, 0.89%; 58 homozygotes.

Submissions (3):

Labcorp Genetics (formerly Invitae), Labcorp
Classification: Benign. Last evaluated: 2026-01-25. Review status: criteria provided, single submitter. Criteria: Invitae Variant Classification Sherloc (09022015). Collection method: clinical testing. Allele origin: germline.

CeGaT Center for Human Genetics Tuebingen
Classification: Likely benign. Last evaluated: 2025-11-01. Review status: criteria provided, single submitter. Criteria: CeGaT Center For Human Genetics Tuebingen Variant Classification Criteria Version 2. Collection method: clinical testing. Allele origin: germline. Affected: yes. Observed: 2 variant alleles.
Comment: FCSK: BS2

Breakthrough Genomics
Classification: Benign. Review status: criteria provided, single submitter. Criteria: ACMG Guidelines, 2015. Collection method: not provided. Allele origin: germline. Inheritance: Autosomal recessive inheritance. Affected: yes.

NM_145059.3(FCSK):c.484+18T>C

Gene: FCSK (fucose kinase; plus strand). Cytogenetic location: 16q22.1.
Variant type: single nucleotide variant.
Coding change: c.484+18T>C on transcript NM_145059.3 (MANE Select); 18 bases into the intron after coding-DNA position 484, T replaced by C.
Molecular consequence: intron variant.
Genome position (GRCh38, 1-based): chr16:70,466,972, T>C. VCF-style: chr16-70466972-T-C. GRCh37 (hg19) VCF-style: chr16-70500875-T-C.
Identifiers: ClinVar variation 1682352 (VCV001682352.34), dbSNP rs56366805, ClinGen allele CA8142922.
Genomic context (GRCh38, chr16:70,466,972, plus strand): 5'-GTCTGCAGCACCGACATGCTGCTGTCTGTTCCTGCAAATCCTGGTGAGCCTGAGACTACC[T>C]GGGACTGCCTTCCTTCGTCACAGCCACAGCAAGAAGCCAGCTCTGCCCTTCTTGCCCACC-3'